The following is an entry in ClinVar:

NM_017677.4(MTMR8):c.2007C>A (p.Asn669Lys)

Gene: MTMR8 (myotubularin related protein 8; minus strand). Cytogenetic location: Xq11.2.
Variant type: single nucleotide variant.
Coding change: c.2007C>A on transcript NM_017677.4 (MANE Select); coding-DNA position 2007, C replaced by A.
Protein change: p.Asn669Lys; replaces asparagine 669 with lysine.
Molecular consequence: missense variant.
Genome position (GRCh38, 1-based): chrX:64,268,645, G>T on the plus strand (C>A on the coding strand, the complement: MTMR8 is on the minus strand). VCF-style: chrX-64268645-G-T. GRCh37 (hg19) VCF-style: chrX-63488525-G-T.
Other names: short protein forms N669K.
Identifiers: ClinVar variation 3038272 (VCV003038272.2), dbSNP rs73227155, ClinGen allele CA10432781.

ClinVar aggregate classification (germline): Benign (0 of 4 stars; one submission).

Conditions:
MTMR8-related disorder. Also called: MTMR8-related condition.

Allele frequency attached by ClinVar (database versions not stated): ESP Exome Variant Server 0.00284; 1000 Genomes Project 30x 0.00312; 1000 Genomes Project 0.00318; TOPMed 0.00447; gnomAD 0.00671.
gnomAD v4.1: 7,968 of 1,209,676 alleles (0.66%); highest among the groups gnomAD compares: Middle Eastern, 0.87%; 46 homozygotes.

Submission:

PreventionGenetics, part of Exact Sciences
Classification: Benign for MTMR8-related condition. Last evaluated: 2019-05-31. Review status: no assertion criteria provided. Collection method: clinical testing. Allele origin: germline.
Comment: This variant is classified as benign based on ACMG/AMP sequence variant interpretation guidelines (Richards et al. 2015 PMID: 25741868, with internal and published modifications).